The following is an entry in ClinVar:

NM_000256.3(MYBPC3):c.1466_1468dup (p.Asp489dup)

Gene: MYBPC3 (myosin binding protein C3; minus strand). Cytogenetic location: 11p11.2.
Variant type: Duplication.
Coding change: c.1466_1468dup on transcript NM_000256.3 (MANE Select); coding-DNA positions 1466 to 1468, 3 bases duplicated (ACG; older notation c.1466_1468dupACG).
Protein change: p.Asp489dup; duplicates aspartic acid 489.
Molecular consequence: inframe insertion.
Genome position (GRCh38, 1-based): chr11:47,342,734-47,342,736, CGT duplicated on the plus strand (ACG on the coding strand, the reverse complement: MYBPC3 is on the minus strand); duplicating any 3 consecutive bases within chr11:47,342,734-47,342,737 gives the same sequence; the c. name uses the placement nearest the transcript's 3' end. VCF-style (leftmost placement, unchanged base first): chr11-47342733-C-CCGT. GRCh37 (hg19) VCF-style: chr11-47364284-C-CCGT.
Identifiers: ClinVar variation 928267 (VCV000928267.3), dbSNP rs2095890089, ClinGen allele CA1139661931.
Genomic context (GRCh38, chr11:47,342,733, plus strand): 5'-TGTCTCTGCCCGTCCTTCTTGAACCGGTATTTGAAGGTCTCCTCCCGGGTCAGCTCCACC[C>CCGT]CGTCCTTCAGCCTAGCCGGGTGGGTGGGTGGCAAGTGCTGTGGCCTCTTCTGGGCAGATG-3'

ClinVar aggregate classification (germline): Uncertain significance (1 of 4 stars; one submission).

Conditions:
Cardiomyopathy (CMYO). Also called: Cardiomyopathies. Identifiers: Orphanet 167848, MedGen C0878544, MONDO:0004994, HP:0001638. Inheritance: Various modes of inheritance.

Submission:

Color Diagnostics, LLC DBA Color Health
Classification: Uncertain significance for Cardiomyopathy. Last evaluated: 2019-10-16. Review status: criteria provided, single submitter. Criteria: ACMG Guidelines, 2015. Collection method: clinical testing. Allele origin: germline.
Comment: This variant inserts 1 amino acid at codon 489 of the MYBPC3 protein. To our knowledge, functional studies have not been performed for this variant. Splice site prediction tools suggest that this variant may not impact RNA splicing. This variant has not been reported in individuals affected with cardiovascular disorders in the literature. This variant has not been identified in the general population by the Genome Aggregation Database (gnomAD). The available evidence is insufficient to determine the role of this variant in disease conclusively. Therefore, this variant is classified as a Variant of Uncertain Significance.